The following is an entry in ClinVar:

NM_005327.7(HADH):c.105C>T (p.Gly35=)

Gene: HADH (hydroxyacyl-CoA dehydrogenase; plus strand). Cytogenetic location: 4q25.
Variant type: single nucleotide variant.
Coding change: c.105C>T on transcript NM_005327.7 (MANE Select); coding-DNA position 105, C replaced by T.
Protein change: p.Gly35=; no amino-acid change (glycine 35 retained).
Molecular consequence: synonymous variant.
Genome position (GRCh38, 1-based): chr4:107,990,037, C>T. VCF-style: chr4-107990037-C-T. GRCh37 (hg19) VCF-style: chr4-108911193-C-T.
Other names: c.105C>T, p.Gly35= (NM_001184705.4).
Identifiers: ClinVar variation 3032721 (VCV003032721.2), dbSNP rs1434742133, ClinGen allele CA440817861.
Genomic context (GRCh38, chr4:107,990,037, plus strand): 5'-GTCCACCGCCTCGGCCTCGGCCAAGAAGATAATCGTCAAGCACGTGACGGTCATCGGCGG[C>T]GGGCTGATGGGCGCCGGCATTGCCCAGGTGAGCGGCCCTCCCTGCAGCGTGCCCACGCGC-3'
Protein context (NP_005318.6, residues 25-45): IIVKHVTVIG[Gly35=]GLMGAGIAQV

ClinVar aggregate classification (germline): Likely benign (0 of 4 stars; one submission).

Conditions:
HADH-related disorder. Also called: HADH-related condition.

Allele frequency attached by ClinVar (database versions not stated): gnomAD exomes below 0.00001.
gnomAD v4.1: 1 of 1,610,948 alleles (0.000062%); highest among the groups gnomAD compares: East Asian, 0.0022%; no homozygotes.

Submission:

PreventionGenetics, part of Exact Sciences
Classification: Likely benign for HADH-related condition. Last evaluated: 2021-06-02. Review status: no assertion criteria provided. Collection method: clinical testing. Allele origin: germline.
Comment: This variant is classified as likely benign based on ACMG/AMP sequence variant interpretation guidelines (Richards et al. 2015 PMID: 25741868, with internal and published modifications).